The following is an entry in ClinVar:

ClinVar aggregate classification (germline): Uncertain significance (1 of 4 stars; one submission).

Submission:

Labcorp Genetics (formerly Invitae), Labcorp
Classification: Uncertain significance. Last evaluated: 2020-04-09. Review status: criteria provided, single submitter. Criteria: Invitae Variant Classification Sherloc (09022015). Collection method: clinical testing. Allele origin: germline.
Comment: In summary, the available evidence is currently insufficient to determine the role of this variant in disease. Therefore, it has been classified as a Variant of Uncertain Significance. Algorithms developed to predict the effect of missense changes on protein structure and function output the following: SIFT: "Tolerated"; PolyPhen-2: "Benign"; Align-GVGD: "Class C0". The glycine amino acid residue is found in multiple mammalian species, suggesting that this missense change does not adversely affect protein function. These predictions have not been confirmed by published functional studies and their clinical significance is uncertain. This variant has not been reported in the literature in individuals with RECQL-related conditions. This variant is not present in population databases (ExAC no frequency). This sequence change replaces glutamic acid with glycine at codon 616 of the RECQL protein (p.Glu616Gly). The glutamic acid residue is weakly conserved and there is a moderate physicochemical difference between glutamic acid and glycine.

NM_002907.4(RECQL):c.1847A>G (p.Glu616Gly)

Genes: PYROXD1 (pyridine nucleotide-disulphide oxidoreductase domain 1; plus strand), RECQL (RecQ like helicase; minus strand). Cytogenetic location: 12p12.1.
Variant type: single nucleotide variant.
Coding change: c.1847A>G on transcript NM_002907.4 (MANE Select); coding-DNA position 1847, A replaced by G.
Protein change: p.Glu616Gly; replaces glutamic acid 616 with glycine.
Molecular consequence: missense variant. On other transcripts: 3 prime UTR variant (3).
Genome position (GRCh38, 1-based): chr12:21,470,297, T>C on the plus strand (A>G on the coding strand, the complement: RECQL is on the minus strand). VCF-style: chr12-21470297-T-C. GRCh37 (hg19) VCF-style: chr12-21623231-T-C.
Other names: c.1847A>G, p.Glu616Gly (NM_032941.3); c.*1543T>C (NM_001350912.2, NM_001350913.2, NM_024854.5); short protein forms E616G.
Identifiers: ClinVar variation 1018120 (VCV001018120.8), dbSNP rs1942907377, ClinGen allele CA384113869.